The following is an entry in ClinVar:

NM_000057.4(BLM):c.3740A>G (p.Lys1247Arg)

Gene: BLM (BLM RecQ like helicase; plus strand). Cytogenetic location: 15q26.1.
Variant type: single nucleotide variant.
Coding change: c.3740A>G on transcript NM_000057.4 (MANE Select); coding-DNA position 3740, A replaced by G.
Protein change: p.Lys1247Arg; replaces lysine 1247 with arginine.
Molecular consequence: missense variant. On other transcripts: intron variant (1).
Genome position (GRCh38, 1-based): chr15:90,804,348, A>G. VCF-style: chr15-90804348-A-G. GRCh37 (hg19) VCF-style: chr15-91347578-A-G.
Other names: c.3740A>G, p.Lys1247Arg (NM_001287246.2); c.2615A>G, p.Lys872Arg (NM_001287248.2); c.3359-4789A>G (NM_001287247.2); short protein forms K1247R, K872R.
Identifiers: ClinVar variation 2095782 (VCV002095782.5), dbSNP rs2505550500, ClinGen allele CA393848289.

ClinVar aggregate classification (germline): Uncertain significance. Review status: criteria provided, multiple submitters, no conflicts (2 of 4 stars). 2 submissions from 2 submitters: Uncertain significance (2). Last evaluated 2025-11-02.

Conditions:
Bloom syndrome (BLM). Also called: Bloom-Torre-Machacek syndrome. Identifiers: Orphanet 125, MedGen C0005859, MONDO:0008876, OMIM 210900.
Hereditary cancer-predisposing syndrome. Also called: Hereditary neoplastic syndrome; Neoplastic Syndromes, Hereditary; Tumor predisposition; Hereditary Cancer Syndrome. Identifiers: Orphanet 140162, MedGen C0027672, MeSH D009386, MONDO:0015356.

Submissions (2):

Ambry Genetics
Classification: Uncertain significance for Hereditary cancer-predisposing syndrome. Last evaluated: 2025-11-02. Review status: criteria provided, single submitter. Criteria: Ambry Variant Classification Scheme 2023. Collection method: clinical testing. Allele origin: germline.
Comment: The p.K1247R variant (also known as c.3740A>G), located in coding exon 18 of the BLM gene, results from an A to G substitution at nucleotide position 3740. The lysine at codon 1247 is replaced by arginine, an amino acid with highly similar properties. This amino acid position is conserved. In addition, this alteration is predicted to be tolerated by in silico analysis. Based on the available evidence, the clinical significance of this variant remains unclear.

Labcorp Genetics (formerly Invitae), Labcorp
Classification: Uncertain significance for Bloom syndrome. Last evaluated: 2022-05-03. Review status: criteria provided, single submitter. Criteria: Invitae Variant Classification Sherloc (09022015). Collection method: clinical testing. Allele origin: germline.
Comment: In summary, the available evidence is currently insufficient to determine the role of this variant in disease. Therefore, it has been classified as a Variant of Uncertain Significance. Algorithms developed to predict the effect of sequence changes on RNA splicing suggest that this variant may disrupt the consensus splice site. Algorithms developed to predict the effect of missense changes on protein structure and function output the following: SIFT: "Tolerated"; PolyPhen-2: "Benign"; Align-GVGD: "Class C0". The arginine amino acid residue is found in multiple mammalian species, which suggests that this missense change does not adversely affect protein function. This variant has not been reported in the literature in individuals affected with BLM-related conditions. This variant is not present in population databases (gnomAD no frequency). This sequence change replaces lysine, which is basic and polar, with arginine, which is basic and polar, at codon 1247 of the BLM protein (p.Lys1247Arg).